The following is an entry in ClinVar:

NM_004859.4(CLTC):c.2562-19TTTTTTCC[3]

Gene: CLTC (clathrin heavy chain; plus strand). Cytogenetic location: 17q23.1.
Variant type: Microsatellite.
Coding change: c.2562-19TTTTTTCC[3] on transcript NM_004859.4 (MANE Select); three copies in a row of the 8-base unit TTTTTTCC starting at c.2562-19.
Molecular consequence: intron variant.
Genome position: GRCh38 VCF-style: chr17-59676934-T-TTTTTTTCC. GRCh37 (hg19) VCF-style: chr17-57754295-T-TTTTTTTCC.
Other names: c.2574-10_2574-3dup8 (NM_001288653.1); c.2574-19TTTTTTCC[3] (NM_001288653.2).
Identifiers: ClinVar variation 2805712 (VCV002805712.5), dbSNP rs2032979421, ClinGen allele CA2268253557.

ClinVar aggregate classification (germline): Likely benign. Review status: criteria provided, single submitter (1 of 4 stars). 2 submissions from 2 submitters: Likely benign (1). 1 of the submissions does not count toward it. Last evaluated 2025-08-29.

Conditions:
CLTC-related disorder. Also called: CLTC-related condition.

Submissions (2):

Labcorp Genetics (formerly Invitae), Labcorp
Classification: Likely benign. Last evaluated: 2025-08-29. Review status: criteria provided, single submitter. Criteria: Invitae Variant Classification Sherloc (09022015). Collection method: clinical testing. Allele origin: germline.

PreventionGenetics, part of Exact Sciences
Classification: Likely benign for CLTC-related condition. Last evaluated: 2023-02-13. Review status: no assertion criteria provided. Collection method: clinical testing. Allele origin: germline. Not counted in ClinVar's aggregate classification.
Comment: This variant is classified as likely benign based on ACMG/AMP sequence variant interpretation guidelines (Richards et al. 2015 PMID: 25741868, with internal and published modifications).